The following is an entry in ClinVar:

ClinVar aggregate classification (germline): Pathogenic/Likely pathogenic. Review status: criteria provided, multiple submitters, no conflicts (2 of 4 stars). 3 submissions from 3 submitters: Pathogenic (1); Likely pathogenic (2). Last evaluated 2024-02-10.

Conditions:
Familial hemophagocytic lymphohistiocytosis 2 (FHL2). Also called: PRF1-Related Familial Hemophagocytic Lymphohistiocytosis (PRF1-fHLH). Identifiers: Orphanet 540, MedGen C1863727, MONDO:0011337, OMIM 603553.
Autoinflammatory syndrome. Identifiers: Orphanet 93665, MedGen C3890737, MONDO:0019751.
Lymphoma, non-Hodgkin, familial. Identifiers: MedGen C4721532, MONDO:0011508, OMIM 605027.
Aplastic anemia. Identifiers: Orphanet 182040, Orphanet 88, MedGen C0002874, MONDO:0015909, OMIM 609135, HP:0001915.

gnomAD v4.1: 2 of 1,614,226 alleles (0.00012%); highest among the groups gnomAD compares: Non-Finnish European, 0.00017%; no homozygotes.

Submissions (3):

Fulgent Genetics
Classification: Likely pathogenic for Familial hemophagocytic lymphohistiocytosis 2; Lymphoma, non-Hodgkin, familial; Aplastic anemia. Last evaluated: 2024-02-10. Review status: criteria provided, single submitter. Criteria: ACMG Guidelines, 2015. Collection method: clinical testing. Allele origin: germline.

Labcorp Genetics (formerly Invitae), Labcorp
Classification: Pathogenic for Familial hemophagocytic lymphohistiocytosis 2. Last evaluated: 2022-10-28. Review status: criteria provided, single submitter. Criteria: Invitae Variant Classification Sherloc (09022015). Collection method: clinical testing. Allele origin: germline.
Comment: For these reasons, this variant has been classified as Pathogenic. This variant disrupts a region of the PRF1 protein in which other variant(s) (p.Gly317Arg) have been determined to be pathogenic (PMID: 12716377, 17525286, 19487666, 32542393). This suggests that this is a clinically significant region of the protein, and that variants that disrupt it are likely to be disease-causing. ClinVar contains an entry for this variant (Variation ID: 1406224). This premature translational stop signal has been observed in individual(s) with hemophagiocytic lymphohistiocytosis (PMID: 18799942). This variant is not present in population databases (gnomAD no frequency). This sequence change creates a premature translational stop signal (p.Ser301*) in the PRF1 gene. While this is not anticipated to result in nonsense mediated decay, it is expected to disrupt the last 255 amino acid(s) of the PRF1 protein.

Genome Diagnostics Laboratory, The Hospital for Sick Children
Classification: Likely pathogenic for Autoinflammatory syndrome. Last evaluated: 2017-01-30. Review status: criteria provided, single submitter. Criteria: ACMG Guidelines, 2015. Collection method: clinical testing. Allele origin: germline. Affected: yes.

Literature cited by the submitters: PubMed 12716377 (cited by Labcorp Genetics (formerly Invitae), Labcorp); PubMed 17525286 (cited by Labcorp Genetics (formerly Invitae), Labcorp); PubMed 19487666 (cited by Labcorp Genetics (formerly Invitae), Labcorp); PubMed 32542393 (cited by Labcorp Genetics (formerly Invitae), Labcorp); PubMed 18799942 (cited by Labcorp Genetics (formerly Invitae), Labcorp).

NM_001083116.3(PRF1):c.902C>A (p.Ser301Ter)

Gene: PRF1 (perforin 1; minus strand). Cytogenetic location: 10q22.1.
Variant type: single nucleotide variant.
Coding change: c.902C>A on transcript NM_001083116.3 (MANE Select); coding-DNA position 902, C replaced by A.
Protein change: p.Ser301Ter; replaces serine 301 with a stop codon.
Molecular consequence: nonsense.
Genome position (GRCh38, 1-based): chr10:70,598,819, G>T on the plus strand (C>A on the coding strand, the complement: PRF1 is on the minus strand). VCF-style: chr10-70598819-G-T. GRCh37 (hg19) VCF-style: chr10-72358575-G-T.
Other names: c.902C>A, p.Ser301Ter (NM_005041.6); short protein forms S301*.
Identifiers: ClinVar variation 1406224 (VCV001406224.10), dbSNP rs1259291325, ClinGen allele CA376957948.